The following is an entry in ClinVar:

ClinVar aggregate classification (germline): Uncertain significance. Review status: criteria provided, multiple submitters, no conflicts (2 of 4 stars). 2 submissions from 2 submitters: Uncertain significance (2). Last evaluated 2024-02-26.

Conditions:
Inborn genetic diseases. Identifiers: MedGen C0950123, MeSH D030342.

Allele frequency attached by ClinVar (database versions not stated): gnomAD exomes 0.00001; ExAC 0.00002.
gnomAD v4.1: 10 of 1,614,026 alleles (0.00062%); highest among the groups gnomAD compares: East Asian, 0.0022%; no homozygotes.

Submissions (2):

Ambry Genetics
Classification: Uncertain significance for Inborn genetic diseases. Last evaluated: 2024-02-26. Review status: criteria provided, single submitter. Criteria: Ambry Variant Classification Scheme 2023. Collection method: clinical testing. Allele origin: germline.

Labcorp Genetics (formerly Invitae), Labcorp
Classification: Uncertain significance. Last evaluated: 2022-01-12. Review status: criteria provided, single submitter. Criteria: Invitae Variant Classification Sherloc (09022015). Collection method: clinical testing. Allele origin: germline.
Comment: This sequence change replaces valine, which is neutral and non-polar, with methionine, which is neutral and non-polar, at codon 468 of the PEPD protein (p.Val468Met). This variant is present in population databases (rs762921626, gnomAD 0.006%). This variant has not been reported in the literature in individuals affected with PEPD-related conditions. Algorithms developed to predict the effect of missense changes on protein structure and function are either unavailable or do not agree on the potential impact of this missense change (SIFT: "Deleterious"; PolyPhen-2: "Probably Damaging"; Align-GVGD: "Class C0"). In summary, the available evidence is currently insufficient to determine the role of this variant in disease. Therefore, it has been classified as a Variant of Uncertain Significance.

NM_000285.4(PEPD):c.1402G>A (p.Val468Met)

Gene: PEPD (peptidase D; minus strand). Cytogenetic location: 19q13.11.
Variant type: single nucleotide variant.
Coding change: c.1402G>A on transcript NM_000285.4 (MANE Select); coding-DNA position 1402, G replaced by A.
Protein change: p.Val468Met; replaces valine 468 with methionine.
Molecular consequence: missense variant.
Genome position (GRCh38, 1-based): chr19:33,387,424, C>T on the plus strand (G>A on the coding strand, the complement: PEPD is on the minus strand). VCF-style: chr19-33387424-C-T. GRCh37 (hg19) VCF-style: chr19-33878330-C-T.
Other names: c.1279G>A, p.Val427Met (NM_001166056.2); c.1210G>A, p.Val404Met (NM_001166057.2); short protein forms V468M, V404M, V427M.
Identifiers: ClinVar variation 2160305 (VCV002160305.2), dbSNP rs762921626, ClinGen allele CA9363867.
Genomic context (GRCh38, chr19:33,387,424, plus strand): 5'-GGGTAAAGGCCTTGTCACAGCCTGCCATGCATGCTTCAATCTCTTCCACAGTGCGGGGCA[C>T]GCAGGTCAGCAGCTCTATGCCGCTGTCAGTCACCACGACGTCCTCCTCGATGCGGACCTG-3'
Protein context (NP_000276.2, residues 458-478): TDSGIELLTC[Val468Met]PRTVEEIEAC